The following is an entry in ClinVar:

ClinVar aggregate classification (germline): Uncertain significance (1 of 4 stars; one submission).

Conditions:
Arrhythmogenic cardiomyopathy with wooly hair and keratoderma. Also called: Dilated cardiomyopathy with woolly hair and keratoderma; PALMOPLANTAR KERATODERMA WITH LEFT VENTRICULAR CARDIOMYOPATHY AND WOOLLY HAIR; Carvajal syndrome; Arrhythmogenic cardiomyopathy with woolly hair and keratoderma. Identifiers: Orphanet 65282, MedGen C1854063, MONDO:0011581, OMIM 605676.
Arrhythmogenic right ventricular dysplasia 8 (ARVD8). Also called: Arrhythmogenic Right Ventricular Dysplasia/Cardiomyopathy 8; ARRHYTHMOGENIC RIGHT VENTRICULAR DYSPLASIA, FAMILIAL, 8; ARRHYTHMOGENIC RIGHT VENTRICULAR CARDIOMYOPATHY 8. Identifiers: MedGen C1843896, MONDO:0011831, OMIM 607450.

Submission:

Labcorp Genetics (formerly Invitae), Labcorp
Classification: Uncertain significance for Arrhythmogenic cardiomyopathy with wooly hair and keratoderma; Arrhythmogenic right ventricular dysplasia 8. Last evaluated: 2023-05-23. Review status: criteria provided, single submitter. Criteria: Invitae Variant Classification Sherloc (09022015). Collection method: clinical testing. Allele origin: germline.
Comment: In summary, the available evidence is currently insufficient to determine the role of this variant in disease. Therefore, it has been classified as a Variant of Uncertain Significance. An algorithm developed to predict the effect of missense changes on protein structure and function (PolyPhen-2) suggests that this variant is likely to be disruptive. This sequence change replaces glutamic acid, which is acidic and polar, with glycine, which is neutral and non-polar, at codon 2500 of the DSP protein (p.Glu2500Gly). This variant is not present in population databases (gnomAD no frequency). This variant has not been reported in the literature in individuals affected with DSP-related conditions.

NM_004415.4(DSP):c.7499A>G (p.Glu2500Gly)

Gene: DSP (desmoplakin; plus strand). Cytogenetic location: 6p24.3.
Variant type: single nucleotide variant.
Coding change: c.7499A>G on transcript NM_004415.4 (MANE Select); coding-DNA position 7499, A replaced by G.
Protein change: p.Glu2500Gly; replaces glutamic acid 2500 with glycine.
Molecular consequence: missense variant.
Genome position (GRCh38, 1-based): chr6:7,584,761, A>G. VCF-style: chr6-7584761-A-G. GRCh37 (hg19) VCF-style: chr6-7584994-A-G.
Other names: c.5702A>G, p.Glu1901Gly (NM_001008844.3); c.6170A>G, p.Glu2057Gly (NM_001319034.2); short protein forms E2057G, E2500G, E1901G.
Identifiers: ClinVar variation 2948153 (VCV002948153.3), dbSNP rs2533946165, ClinGen allele CA362693150.